The following is an entry in ClinVar:

NM_005546.4(ITK):c.26A>G (p.Glu9Gly)

Gene: ITK (IL2 inducible T cell kinase; plus strand). Cytogenetic location: 5q33.3.
Variant type: single nucleotide variant.
Coding change: c.26A>G on transcript NM_005546.4 (MANE Select); coding-DNA position 26, A replaced by G.
Protein change: p.Glu9Gly; replaces glutamic acid 9 with glycine.
Molecular consequence: missense variant.
Genome position (GRCh38, 1-based): chr5:157,181,003, A>G. VCF-style: chr5-157181003-A-G. GRCh37 (hg19) VCF-style: chr5-156608014-A-G.
Other names: short protein forms E9G.
Identifiers: ClinVar variation 1403911 (VCV001403911.8), dbSNP rs2113732600, ClinGen allele CA361966159.

ClinVar aggregate classification (germline): Uncertain significance (1 of 4 stars; one submission).

Conditions:
Lymphoproliferative syndrome 1 (LPFS1). Identifiers: Orphanet 238505, Orphanet 538963, MedGen C3552634, MONDO:0013081, OMIM 613011.

Submission:

Labcorp Genetics (formerly Invitae), Labcorp
Classification: Uncertain significance for Lymphoproliferative syndrome 1. Last evaluated: 2021-01-16. Review status: criteria provided, single submitter. Criteria: Invitae Variant Classification Sherloc (09022015). Collection method: clinical testing. Allele origin: germline.
Comment: This sequence change replaces glutamic acid with glycine at codon 9 of the ITK protein (p.Glu9Gly). The glutamic acid residue is moderately conserved and there is a moderate physicochemical difference between glutamic acid and glycine. This variant is not present in population databases (ExAC no frequency). This variant has not been reported in the literature in individuals with ITK-related conditions. Advanced modeling of protein sequence and biophysical properties (such as structural, functional, and spatial information, amino acid conservation, physicochemical variation, residue mobility, and thermodynamic stability) performed at Invitae indicates that this missense variant is not expected to disrupt ITK protein function. In summary, the available evidence is currently insufficient to determine the role of this variant in disease. Therefore, it has been classified as a Variant of Uncertain Significance.